The following is an entry in ClinVar:

ClinVar aggregate classification (germline): Conflicting classifications of pathogenicity. Review status: criteria provided, conflicting classifications (1 of 4 stars). 4 submissions from 4 submitters: Uncertain significance (1); Likely benign (3). Last evaluated 2026-01-13.

Conditions:
Weill-Marchesani 4 syndrome, recessive. Also called: Weill-Marchesani syndrome 4. Identifiers: Orphanet 363992, MedGen C2750787, MONDO:0013176, OMIM 613195.

Allele frequency attached by ClinVar (database versions not stated): TOPMed 0.00039; 1000 Genomes Project 30x 0.00047; 1000 Genomes Project 0.00060; ESP Exome Variant Server 0.00008; ExAC 0.00022; gnomAD exomes 0.00025 and 0.00027; gnomAD 0.00031 and 0.00033.
gnomAD v4.1: 441 of 1,614,178 alleles (0.027%); highest among the groups gnomAD compares: East Asian, 0.091%; no homozygotes.

Submissions (4):

Labcorp Genetics (formerly Invitae), Labcorp
Classification: Likely benign. Last evaluated: 2026-01-13. Review status: criteria provided, single submitter. Criteria: Invitae Variant Classification Sherloc (09022015). Collection method: clinical testing. Allele origin: germline.

Blueprint Genetics
Classification: Likely benign. Last evaluated: 2024-10-03. Review status: criteria provided, single submitter. Criteria: ACMG Guidelines, 2015. Collection method: clinical testing. Allele origin: germline.

Center for Genomics, Ann and Robert H. Lurie Children's Hospital of Chicago
Classification: Likely benign for Weill-Marchesani 4 syndrome, recessive. Last evaluated: 2022-04-26. Review status: criteria provided, single submitter. Criteria: ACMG Guidelines, 2015. Collection method: clinical testing. Allele origin: germline.
Comment: This variant has not been reported in the literature but is present in 0.1% (22/19946) of East Asian alleles in the Genome Aggregation Database, and also in ClinVar (Variation ID:315293). Of note, this variant is a silent variant and does not change the amino acid, and this nucleotide is not conserved evolutionarily, reducing the probability that this variant is disease causing. Furthermore, there is no predicted impact to splicing. In summary, data on this variant suggests that this variant does not cause disease but requires further evidence. Therefore, this variant is classified as likely benign.

Illumina Laboratory Services, Illumina
Classification: Uncertain significance for Weill-Marchesani 4 syndrome, recessive. Last evaluated: 2018-01-13. Review status: criteria provided, single submitter. Criteria: ICSL Variant Classification Criteria 13 December 2019. Collection method: clinical testing. Allele origin: germline.

NM_139057.4(ADAMTS17):c.1353G>A (p.Thr451=)

Gene: ADAMTS17 (ADAM metallopeptidase with thrombospondin type 1 motif 17; minus strand). Cytogenetic location: 15q26.3.
Variant type: single nucleotide variant.
Coding change: c.1353G>A on transcript NM_139057.4 (MANE Select); coding-DNA position 1353, G replaced by A.
Protein change: p.Thr451=; no amino-acid change (threonine 451 retained).
Molecular consequence: synonymous variant.
Genome position (GRCh38, 1-based): chr15:100,152,732, C>T on the plus strand (G>A on the coding strand, the complement: ADAMTS17 is on the minus strand). VCF-style: chr15-100152732-C-T. GRCh37 (hg19) VCF-style: chr15-100692937-C-T.
Identifiers: ClinVar variation 315293 (VCV000315293.15), dbSNP rs143896591, ClinGen allele CA7758267.